The following is an entry in ClinVar:

ClinVar aggregate classification (germline): Benign/Likely benign. Review status: criteria provided, multiple submitters, no conflicts (2 of 4 stars). 11 submissions from 11 submitters: Benign (10); Likely benign (1). Last evaluated 2026-02-04.

Conditions:
Ehlers-Danlos syndrome (EDS). Identifiers: Orphanet 98249, MedGen C0013720, MONDO:0020066.
Familial thoracic aortic aneurysm and aortic dissection (TAAD). Also called: Thoracic aortic aneurysms and dissections. Identifiers: Orphanet 91387, MedGen C4707243, MONDO:0019625.
Ehlers-Danlos syndrome, kyphoscoliotic type 1 (EDSKSCL1). Also called: PLOD1-Related Kyphoscoliotic Ehlers-Danlos Syndrome; Ehlers-Danlos syndrome, hydroxylysine-deficient; EHLERS-DANLOS SYNDROME, TYPE VIA; EHLERS-DANLOS SYNDROME, OCULAR-SCOLIOTIC TYPE. Identifiers: Orphanet 1900, MedGen C0268342, MONDO:0016002, OMIM 225400. Disease mechanism: loss of function.

Allele frequency attached by ClinVar (database versions not stated): gnomAD exomes 0.00575 and 0.00937; ExAC 0.01054; gnomAD 0.02066 and 0.02126; ESP Exome Variant Server 0.02268; TOPMed 0.02317; 1000 Genomes Project 0.02616; 1000 Genomes Project 30x 0.02717.
gnomAD v4.1: 11,691 of 1,613,122 alleles (0.72%); highest among the groups gnomAD compares: African/African-American, 6.3%; 210 homozygotes.

Submissions (11):

Labcorp Genetics (formerly Invitae), Labcorp
Classification: Benign for Ehlers-Danlos syndrome, kyphoscoliotic type 1. Last evaluated: 2026-02-04. Review status: criteria provided, single submitter. Criteria: Invitae Variant Classification Sherloc (09022015). Collection method: clinical testing. Allele origin: germline.

ARUP Laboratories, Molecular Genetics and Genomics, ARUP Laboratories
Classification: Benign for Ehlers-Danlos syndrome, kyphoscoliotic type 1. Last evaluated: 2025-05-26. Review status: criteria provided, single submitter. Criteria: ARUP Molecular Germline Variant Investigation Process 2024. Collection method: clinical testing. Allele origin: germline.

Molecular Diagnostic Laboratory for Inherited Cardiovascular Disease, Montreal Heart Institute
Classification: Benign. Last evaluated: 2025-04-09. Review status: criteria provided, single submitter. Criteria: ACMG Guidelines, 2015. Collection method: clinical testing. Allele origin: germline. Affected: no.

Blueprint Genetics
Classification: Likely benign. Last evaluated: 2024-11-26. Review status: criteria provided, single submitter. Criteria: ACMG Guidelines, 2015. Collection method: clinical testing. Allele origin: germline.

Women's Health and Genetics/Laboratory Corporation of America, LabCorp
Classification: Benign. Last evaluated: 2023-07-21. Review status: criteria provided, single submitter. Criteria: LabCorp Variant Classification Summary - May 2015. Collection method: clinical testing. Allele origin: germline.

Genome Diagnostics Laboratory, The Hospital for Sick Children
Classification: Benign for Ehlers-Danlos syndrome. Last evaluated: 2022-07-09. Review status: criteria provided, single submitter. Criteria: ACMG Guidelines, 2015. Collection method: clinical testing. Allele origin: germline.

Mayo Clinic Laboratories, Mayo Clinic
Classification: Benign. Last evaluated: 2019-04-16. Review status: criteria provided, single submitter. Criteria: ACMG Guidelines, 2015. Collection method: clinical testing. Allele origin: germline. Observed: 54 variant alleles.

Illumina Laboratory Services, Illumina
Classification: Benign for Ehlers-Danlos syndrome, kyphoscoliotic type 1. Last evaluated: 2018-01-13. Review status: criteria provided, single submitter. Criteria: ICSL Variant Classification Criteria 13 December 2019. Collection method: clinical testing. Allele origin: germline.
Comment: This variant was observed in the ICSL laboratory as part of a predisposition screen in an ostensibly healthy population. It had not been previously curated by ICSL or reported in the Human Gene Mutation Database (HGMD: prior to June 1st, 2018), and was therefore a candidate for classification through an automated scoring system. Utilizing variant allele frequency, disease prevalence and penetrance estimates, and inheritance mode, an automated score was calculated to assess if this variant is too frequent to cause the disease. Based on the score and internal cut-off values, a variant classified as benign is not then subjected to further curation. The score for this variant resulted in a classification of benign for this disease.

GeneDx
Classification: Benign. Last evaluated: 2016-11-17. Review status: criteria provided, single submitter. Criteria: GeneDx Variant Classification (06012015). Collection method: clinical testing. Allele origin: germline. Affected: yes.
Comment: This variant is considered likely benign or benign based on one or more of the following criteria: it is a conservative change, it occurs at a poorly conserved position in the protein, it is predicted to be benign by multiple in silico algorithms, and/or has population frequency not consistent with disease.

Ambry Genetics
Classification: Benign for Familial thoracic aortic aneurysm and aortic dissection. Last evaluated: 2015-02-03. Review status: criteria provided, single submitter. Criteria: Ambry Variant Classification Scheme 2023. Collection method: clinical testing. Allele origin: germline.

Breakthrough Genomics
Classification: Benign. Review status: criteria provided, single submitter. Criteria: ACMG Guidelines, 2015. Collection method: not provided. Allele origin: germline. Inheritance: Autosomal recessive inheritance. Affected: yes.

NM_000302.4(PLOD1):c.1788G>T (p.Val596=)

Gene: PLOD1 (procollagen-lysine,2-oxoglutarate 5-dioxygenase 1; plus strand). Cytogenetic location: 1p36.22.
Variant type: single nucleotide variant.
Coding change: c.1788G>T on transcript NM_000302.4 (MANE Select); coding-DNA position 1788, G replaced by T.
Protein change: p.Val596=; no amino-acid change (valine 596 retained).
Molecular consequence: synonymous variant.
Genome position (GRCh38, 1-based): chr1:11,970,702, G>T. VCF-style: chr1-11970702-G-T. GRCh37 (hg19) VCF-style: chr1-12030759-G-T.
Other names: p.Val596=; c.1929G>T, p.Val643= (NM_001316320.2).
Identifiers: ClinVar variation 263892 (VCV000263892.72), dbSNP rs35460537, ClinGen allele CA598565.